The following is an entry in ClinVar:

ClinVar aggregate classification (germline): Uncertain significance (1 of 4 stars; one submission).

Conditions:
Hereditary cancer-predisposing syndrome. Also called: Neoplastic Syndromes, Hereditary; Tumor predisposition; Hereditary Cancer Syndrome; Hereditary neoplastic syndrome. Identifiers: Orphanet 140162, MedGen C0027672, MeSH D009386, MONDO:0015356.

Submission:

Ambry Genetics
Classification: Uncertain significance for Hereditary cancer-predisposing syndrome. Last evaluated: 2020-09-03. Review status: criteria provided, single submitter. Criteria: Ambry Variant Classification Scheme 2023. Collection method: clinical testing. Allele origin: germline.
Comment: The p.D115H variant (also known as c.343G>C), located in coding exon 3 of the SDHAF2 gene, results from a G to C substitution at nucleotide position 343. The aspartic acid at codon 115 is replaced by histidine, an amino acid with similar properties. This amino acid position is highly conserved in available vertebrate species. In addition, this alteration is predicted to be deleterious by in silico analysis. Since supporting evidence is limited at this time, the clinical significance of this alteration remains unclear.

NM_017841.4(SDHAF2):c.343G>C (p.Asp115His)

Gene: SDHAF2 (succinate dehydrogenase complex assembly factor 2; plus strand). Cytogenetic location: 11q12.2.
Variant type: single nucleotide variant.
Coding change: c.343G>C on transcript NM_017841.4 (MANE Select); coding-DNA position 343, G replaced by C.
Protein change: p.Asp115His; replaces aspartic acid 115 with histidine.
Molecular consequence: missense variant.
Genome position (GRCh38, 1-based): chr11:61,438,086, G>C. VCF-style: chr11-61438086-G-C. GRCh37 (hg19) VCF-style: chr11-61205558-G-C.
Other names: short protein forms D115H.
Identifiers: ClinVar variation 1731462 (VCV001731462.2), dbSNP rs2540125008, ClinGen allele CA380684193.